The following is an entry in ClinVar:

NM_018942.3(HMX1):c.299C>G (p.Pro100Arg)

Gene: HMX1 (H6 family homeobox 1; minus strand). Cytogenetic location: 4p16.1.
Variant type: single nucleotide variant.
Coding change: c.299C>G on transcript NM_018942.3 (MANE Select); coding-DNA position 299, C replaced by G.
Protein change: p.Pro100Arg; replaces proline 100 with arginine.
Molecular consequence: missense variant.
Genome position (GRCh38, 1-based): chr4:8,871,316, G>C on the plus strand (C>G on the coding strand, the complement: HMX1 is on the minus strand). VCF-style: chr4-8871316-G-C. GRCh37 (hg19) VCF-style: chr4-8873042-G-C.
Other names: c.299C>G, p.Pro100Arg (NM_001306142.2); short protein forms P100R.
Identifiers: ClinVar variation 1994734 (VCV001994734.4), dbSNP rs2474397708, ClinGen allele CA356278915.

ClinVar aggregate classification (germline): Uncertain significance (1 of 4 stars; one submission).

Submission:

Labcorp Genetics (formerly Invitae), Labcorp
Classification: Uncertain significance. Last evaluated: 2022-07-21. Review status: criteria provided, single submitter. Criteria: Invitae Variant Classification Sherloc (09022015). Collection method: clinical testing. Allele origin: germline.
Comment: In summary, the available evidence is currently insufficient to determine the role of this variant in disease. Therefore, it has been classified as a Variant of Uncertain Significance. Algorithms developed to predict the effect of missense changes on protein structure and function are either unavailable or do not agree on the potential impact of this missense change (SIFT: "Deleterious"; PolyPhen-2: "Not Available"; Align-GVGD: "Class C0"). This variant has not been reported in the literature in individuals affected with HMX1-related conditions. This variant is not present in population databases (gnomAD no frequency). This sequence change replaces proline, which is neutral and non-polar, with arginine, which is basic and polar, at codon 100 of the HMX1 protein (p.Pro100Arg).